The following is an entry in ClinVar:

NM_001005373.4(LRSAM1):c.1978_1979dup (p.Pro661fs)

Gene: LRSAM1 (leucine rich repeat and sterile alpha motif containing 1; plus strand). Cytogenetic location: 9q34.11.
Variant type: Duplication.
Coding change: c.1978_1979dup on transcript NM_001005373.4 (MANE Select); coding-DNA positions 1978 to 1979, 2 bases duplicated (AG; older notation c.1978_1979dupAG).
Protein change: p.Pro661fs; shifts the reading frame from proline 661.
Molecular consequence: frameshift variant. On other transcripts: non-coding transcript variant (2).
Genome position (GRCh38, 1-based): chr9:127,501,075-127,501,076, AG duplicated; duplicating any 2 consecutive bases within chr9:127,501,074-127,501,076 gives the same sequence; the c. name uses the placement nearest the transcript's 3' end. VCF-style (leftmost placement, unchanged base first): chr9-127501073-T-TGA. GRCh37 (hg19) VCF-style: chr9-130263352-T-TGA.
Other names: c.1978_1979dup, p.Pro661fs (NM_001005374.4, NM_001384142.1, NM_138361.5); c.1897_1898dup, p.Pro634fs (NM_001190723.3); c.1879_1880dup, p.Pro628fs (NM_001384143.1); c.1189_1190dup, p.Pro398fs (NM_001384144.1); short protein forms P634fs, P661fs, P398fs, P628fs.
Identifiers: ClinVar variation 841754 (VCV000841754.8), dbSNP rs1836370529, ClinGen allele CA916081543.
Genomic context (GRCh38, chr9:127,501,073, plus strand): 5'-TGAAACCACCAATGGGTGAGGTCGTCACCCCTACGGCCCCCCAGGAGCCTCCTGAGTCTG[T>TGA]GAGGCCATCCGCTCCCCCTGCAGAGCTGGAGGTGCAGGCCTCAGAGTGTGTCGTGTGCCT-3'

ClinVar aggregate classification (germline): Likely pathogenic (1 of 4 stars; one submission).

Conditions:
Charcot-Marie-Tooth disease axonal type 2P. Also called: Charcot-Marie-Tooth Neuropathy Type 2G; CHARCOT-MARIE-TOOTH DISEASE, AXONAL, TYPE 2G; CMT 2G; CHARCOT-MARIE-TOOTH NEUROPATHY, TYPE 2P. Identifiers: Orphanet 300319, Orphanet 99941, MedGen C3280797, MONDO:0013753, OMIM 614436.

Submission:

Labcorp Genetics (formerly Invitae), Labcorp
Classification: Likely pathogenic for Charcot-Marie-Tooth disease axonal type 2P. Last evaluated: 2019-04-24. Review status: criteria provided, single submitter. Criteria: Invitae Variant Classification Sherloc (09022015). Collection method: clinical testing. Allele origin: germline.
Comment: In summary, the currently available evidence indicates that the variant is pathogenic, but additional data are needed to prove that conclusively. Therefore, this variant has been classified as Likely Pathogenic. This variant disrupts the C-terminus of the LRSAM1 protein. Other variant(s) that disrupt this region (p.Leu668Profs*14, p.Glu674Valfs*11, p.Glu682Glyfs*5) have been observed in individuals with autosomal dominant LRSAM1-related conditions (PMID: 29341362, Invitae). This suggests that this may be a clinically significant region of the protein. This variant has not been reported in the literature in individuals with LRSAM1-related conditions. This variant is not present in population databases (ExAC no frequency). This sequence change results in a premature translational stop signal in the LRSAM1 gene (p.Pro661Glyfs*26). While this is not anticipated to result in nonsense mediated decay, it is expected to disrupt the last 63 amino acids of the LRSAM1 protein.

Literature cited by the submitters: PubMed 29341362.